The following is an entry in ClinVar:

NM_000046.5(ARSB):c.349T>C (p.Cys117Arg)

Gene: ARSB (arylsulfatase B; minus strand). Cytogenetic location: 5q14.1.
Variant type: single nucleotide variant.
Coding change: c.349T>C on transcript NM_000046.5 (MANE Select); coding-DNA position 349, T replaced by C.
Protein change: p.Cys117Arg; replaces cysteine 117 with arginine.
Molecular consequence: missense variant.
Genome position (GRCh38, 1-based): chr5:78,969,156, A>G on the plus strand (T>C on the coding strand, the complement: ARSB is on the minus strand). VCF-style: chr5-78969156-A-G. GRCh37 (hg19) VCF-style: chr5-78264979-A-G.
Other names: c.349T>C, p.Cys117Arg (NM_198709.3); short protein forms C117R.
Identifiers: ClinVar variation 878 (VCV000000878.12), dbSNP rs118203939, ClinGen allele CA114601.

ClinVar aggregate classification (germline): Pathogenic/Likely pathogenic. Review status: criteria provided, multiple submitters, no conflicts (2 of 4 stars). 4 submissions from 4 submitters: Pathogenic (1); Likely pathogenic (2). 1 of the submissions does not count toward it. Last evaluated 2024-08-22.

Conditions:
Mucopolysaccharidosis, type vi, severe. Identifiers: MedGen C4017253.
Mucopolysaccharidosis type 6 (MPS6). Also called: MPS VI; ARSB DEFICIENCY; ARYLSULFATASE B DEFICIENCY; N-ACETYLGALACTOSAMINE-4-SULFATASE DEFICIENCY; MPS 6; Maroteaux Lamy syndrome. Identifiers: Orphanet 583, MedGen C0026709, MONDO:0009661, OMIM 253200.

Allele frequency attached by ClinVar (database versions not stated): gnomAD exomes below 0.00001 and 0.00001; TOPMed 0.00001.
gnomAD v4.1: 4 of 1,614,188 alleles (0.00025%); highest among the groups gnomAD compares: Non-Finnish European, 0.00034%; no homozygotes.

Submissions (4):

Natera, Inc.
Classification: Likely pathogenic for Mucopolysaccharidosis type VI. Last evaluated: 2024-08-22. Review status: criteria provided, single submitter. Criteria: Natera Variant Classification Schema (03/2026). Collection method: clinical testing. Allele origin: germline.
Comment: The c.349T>C variant in ARSB is a missense variant predicted to cause substitution of cysteine to arginine at amino acid 117. This variant is rare in the general population with a frequency below the threshold expected for the associated phenotype(s). This variant has been observed in one or more individuals affected with the associated recessive disease, as either homozygous or compound heterozygous with a second variant (PMID: 17458871, 1550123). Computational prediction algorithms indicate this variant is likely to affect gene or protein function. Given the available evidence, this variant is classified as Likely Pathogenic.

Labcorp Genetics (formerly Invitae), Labcorp
Classification: Pathogenic for Mucopolysaccharidosis type 6. Last evaluated: 2024-02-01. Review status: criteria provided, single submitter. Criteria: Invitae Variant Classification Sherloc (09022015). Collection method: clinical testing. Allele origin: germline.
Comment: This sequence change replaces cysteine, which is neutral and slightly polar, with arginine, which is basic and polar, at codon 117 of the ARSB protein (p.Cys117Arg). This variant is present in population databases (rs118203939, gnomAD 0.002%). This missense change has been observed in individual(s) with mucopolysaccharidosis type VI (PMID: 1550123, 17458871). ClinVar contains an entry for this variant (Variation ID: 878). Advanced modeling of protein sequence and biophysical properties (such as structural, functional, and spatial information, amino acid conservation, physicochemical variation, residue mobility, and thermodynamic stability) performed at Invitae indicates that this missense variant is expected to disrupt ARSB protein function with a positive predictive value of 95%. For these reasons, this variant has been classified as Pathogenic.

Laboratory of Diagnosis and Therapy of Lysosomal Disorders, University of Padova
Classification: Likely pathogenic for Mucopolysaccharidosis type 6. Last evaluated: 2018-01-01. Review status: criteria provided, single submitter. Criteria: ACMG Guidelines, 2015. Collection method: curation. Allele origin: germline. Affected: yes.
Comment: In vitro functional studies supportive of a damaging effect on the gene product (low to no ARSB activity in homozygotes; PS3); Very low frequency in GnomAD (PM2); Reputable source identifies as pathogenic (PP5)

OMIM
Classification: Pathogenic for MUCOPOLYSACCHARIDOSIS, TYPE VI, SEVERE. Last evaluated: 1992-04-01. Review status: no assertion criteria provided. Collection method: literature only. Allele origin: germline. Not counted in ClinVar's aggregate classification.

Literature cited by the submitters: PubMed 17458871 (cited by 3 submitters); PubMed 1550123 (cited by 4 submitters); PubMed 30118150 (cited by Laboratory of Diagnosis and Therapy of Lysosomal Disorders, University of Padova).